The following is an entry in ClinVar:

NM_000051.4(ATM):c.5714C>G (p.Ser1905Ter)

Gene: ATM (ATM serine/threonine kinase; plus strand). Cytogenetic location: 11q22.3.
Variant type: single nucleotide variant.
Coding change: c.5714C>G on transcript NM_000051.4 (MANE Select); coding-DNA position 5714, C replaced by G.
Protein change: p.Ser1905Ter; replaces serine 1905 with a stop codon.
Molecular consequence: nonsense.
Genome position (GRCh38, 1-based): chr11:108,307,936, C>G. VCF-style: chr11-108307936-C-G. GRCh37 (hg19) VCF-style: chr11-108178663-C-G.
Other names: c.5714C>G, p.Ser1905Ter (NM_001351834.2); short protein forms S1905*.
Identifiers: ClinVar variation 3004486 (VCV003004486.4), dbSNP rs2135976833, ClinGen allele CA382547904.

ClinVar aggregate classification (germline): Pathogenic. Review status: criteria provided, multiple submitters, no conflicts (2 of 4 stars). 2 submissions from 2 submitters: Pathogenic (2). Last evaluated 2024-10-31.

Conditions:
Hereditary cancer-predisposing syndrome. Also called: Hereditary neoplastic syndrome; Hereditary Cancer Syndrome; Neoplastic Syndromes, Hereditary; Tumor predisposition. Identifiers: Orphanet 140162, MedGen C0027672, MeSH D009386, MONDO:0015356.
Ataxia-telangiectasia syndrome (AT). Also called: LOUIS-BAR SYNDROME; Cerebello-oculocutaneous telangiectasia; Immunodeficiency with ataxia telangiectasia; Ataxia-telangiectasia, complementation group D; Ataxia-telangiectasia, complementation group E; Ataxia telangiectasia (A-T). Identifiers: Orphanet 100, MedGen C0004135, MONDO:0008840, OMIM 208900.

Submissions (2):

Ambry Genetics
Classification: Pathogenic for Hereditary cancer-predisposing syndrome. Last evaluated: 2024-10-31. Review status: criteria provided, single submitter. Criteria: Ambry Variant Classification Scheme 2023. Collection method: clinical testing. Allele origin: germline.
Comment: The p.S1905* variant (also known as c.5714C>G), located in coding exon 37 of the ATM gene, results from a C to G substitution at nucleotide position 5714. This changes the amino acid from a serine to a stop codon within coding exon 37. This variant is considered to be rare based on population cohorts in the Genome Aggregation Database (gnomAD). This alteration is expected to result in loss of function by premature protein truncation or nonsense-mediated mRNA decay. As such, this alteration is interpreted as a disease-causing mutation.

Labcorp Genetics (formerly Invitae), Labcorp
Classification: Pathogenic for Ataxia-telangiectasia syndrome. Last evaluated: 2023-12-24. Review status: criteria provided, single submitter. Criteria: Invitae Variant Classification Sherloc (09022015). Collection method: clinical testing. Allele origin: germline.
Comment: This sequence change creates a premature translational stop signal (p.Ser1905*) in the ATM gene. It is expected to result in an absent or disrupted protein product. Loss-of-function variants in ATM are known to be pathogenic (PMID: 23807571, 25614872). This variant is not present in population databases (gnomAD no frequency). This variant has not been reported in the literature in individuals affected with ATM-related conditions. For these reasons, this variant has been classified as Pathogenic.

Literature cited by the submitters: PubMed 23807571 (cited by Labcorp Genetics (formerly Invitae), Labcorp); PubMed 25614872 (cited by Labcorp Genetics (formerly Invitae), Labcorp).